The following is an entry in ClinVar:

NM_052945.4(TNFRSF13C):c.229C>T (p.Leu77=)

Genes: TNFRSF13C (TNF receptor superfamily member 13C; minus strand), LOC130067574 (ATAC-STARR-seq lymphoblastoid silent region 13813; plus strand). Cytogenetic location: 22q13.2.
Variant type: single nucleotide variant.
Coding change: c.229C>T on transcript NM_052945.4 (MANE Select); coding-DNA position 229, C replaced by T.
Protein change: p.Leu77=; no amino-acid change (leucine 77 retained).
Molecular consequence: synonymous variant.
Genome position (GRCh38, 1-based): chr22:41,926,239, G>A on the plus strand (C>T on the coding strand, the complement: TNFRSF13C is on the minus strand). VCF-style: chr22-41926239-G-A. GRCh37 (hg19) VCF-style: chr22-42322243-G-A.
Identifiers: ClinVar variation 487214 (VCV000487214.25), dbSNP rs140820836, ClinGen allele CA10262506.
Genomic context (GRCh38, chr22:41,926,239, plus strand): 5'-CCACCAGGACCAGCGCCAGGACCAGTGCCAGGCCCAGCAGCGCGGGGGCGCCAAAGAGCA[G>A]CCCGGGCAGGGGCAGCGCCGCCTCGCCGGCCCCCGCGCCCACCGACTCCTGCGGCTGCAG-3'
Protein context (NP_443177.1, residues 67-87): AGEAALPLPG[Leu77=]LFGAPALLGL

ClinVar aggregate classification (germline): Benign. Review status: criteria provided, multiple submitters, no conflicts (2 of 4 stars). 5 submissions from 5 submitters: Benign (4). 1 of the submissions does not count toward it. Last evaluated 2026-01-24.

Conditions:
TNFRSF13C-related disorder. Also called: TNFRSF13C-related condition.
Immunodeficiency, common variable, 4. Also called: ANTIBODY DEFICIENCY DUE TO BAFFR DEFECT. Identifiers: Orphanet 1572, Orphanet 696925, MedGen C3150739, MONDO:0013284, OMIM 613494.

Allele frequency attached by ClinVar (database versions not stated): ESP Exome Variant Server 0.00987; 1000 Genomes Project 30x 0.01218; gnomAD exomes 0.00242 and 0.00103; gnomAD 0.01077 and 0.01159; TOPMed 0.01140; 1000 Genomes Project 0.01258; ExAC 0.00363.

Submissions (5):

Labcorp Genetics (formerly Invitae), Labcorp
Classification: Benign for Immunodeficiency, common variable, 4. Last evaluated: 2026-01-24. Review status: criteria provided, single submitter. Criteria: Invitae Variant Classification Sherloc (09022015). Collection method: clinical testing. Allele origin: germline.

ARUP Laboratories, Molecular Genetics and Genomics, ARUP Laboratories
Classification: Benign for Immunodeficiency, common variable, 4. Last evaluated: 2018-07-12. Review status: criteria provided, single submitter. Criteria: ARUP Molecular Germline Variant Investigation Process. Collection method: clinical testing. Allele origin: germline.

Illumina Laboratory Services, Illumina
Classification: Benign for Immunodeficiency, common variable, 4. Last evaluated: 2018-01-13. Review status: criteria provided, single submitter. Criteria: ICSL Variant Classification Criteria 13 December 2019. Collection method: clinical testing. Allele origin: germline.
Comment: This variant was observed in the ICSL laboratory as part of a predisposition screen in an ostensibly healthy population. It had not been previously curated by ICSL or reported in the Human Gene Mutation Database (HGMD: prior to June 1st, 2018), and was therefore a candidate for classification through an automated scoring system. Utilizing variant allele frequency, disease prevalence and penetrance estimates, and inheritance mode, an automated score was calculated to assess if this variant is too frequent to cause the disease. Based on the score and internal cut-off values, a variant classified as benign is not then subjected to further curation. The score for this variant resulted in a classification of benign for this disease.

Breakthrough Genomics
Classification: Benign. Review status: criteria provided, single submitter. Criteria: ACMG Guidelines, 2015. Collection method: not provided. Allele origin: germline. Inheritance: Autosomal recessive inheritance. Affected: yes.

PreventionGenetics, part of Exact Sciences
Classification: Benign for TNFRSF13C-related condition. Last evaluated: 2019-07-11. Review status: no assertion criteria provided. Collection method: clinical testing. Allele origin: germline. Not counted in ClinVar's aggregate classification.
Comment: This variant is classified as benign based on ACMG/AMP sequence variant interpretation guidelines (Richards et al. 2015 PMID: 25741868, with internal and published modifications).